The following is an entry in ClinVar:

NM_152296.5(ATP1A3):c.127C>T (p.Arg43Trp)

Gene: ATP1A3 (ATPase Na+/K+ transporting subunit alpha 3; minus strand). Cytogenetic location: 19q13.2.
Variant type: single nucleotide variant.
Coding change: c.127C>T on transcript NM_152296.5 (MANE Select); coding-DNA position 127, C replaced by T.
Protein change: p.Arg43Trp; replaces arginine 43 with tryptophan.
Molecular consequence: missense variant.
Genome position (GRCh38, 1-based): chr19:41,988,344, G>A on the plus strand (C>T on the coding strand, the complement: ATP1A3 is on the minus strand). VCF-style: chr19-41988344-G-A. GRCh37 (hg19) VCF-style: chr19-42492496-G-A.
Other names: c.160C>T, p.Arg54Trp (NM_001256213.2); c.166C>T, p.Arg56Trp (NM_001256214.2); short protein forms R56W, R54W, R43W.
Identifiers: ClinVar variation 2975936 (VCV002975936.3), dbSNP rs781898188, ClinGen allele CA9467950.
Genomic context (GRCh38, chr19:41,988,344, plus strand): 5'-GTTCCCAGGGTCCCAGCCCACAGCCTGGCCACACCTGCACACAGTCTGTGTTGTATTTCC[G>A]GCAGACCTCTTCCACTGACATCTTGTGCTCTGTCTGAGGAACAGGAGTTTGGGGGAGACG-3'
Protein context (NP_689509.1, residues 33-53): EHKMSVEEVC[Arg43Trp]KYNTDCVQGL

ClinVar aggregate classification (germline): Uncertain significance (1 of 4 stars; one submission).

Conditions:
Dystonia 12 (DYT12). Also called: DYT-ATP1A3; Rapid-Onset Dystonia-Parkinsonism (RDP). Identifiers: Orphanet 71517, MedGen C1868681, MONDO:0007496, OMIM 128235.

Allele frequency attached by ClinVar (database versions not stated): gnomAD exomes below 0.00001; ExAC 0.00001; gnomAD 0.00001; TOPMed 0.00001.
gnomAD v4.1: 7 of 1,614,004 alleles (0.00043%); highest among the groups gnomAD compares: African/African-American, 0.004%; no homozygotes.

Submission:

Labcorp Genetics (formerly Invitae), Labcorp
Classification: Uncertain significance for Dystonia 12. Last evaluated: 2024-12-07. Review status: criteria provided, single submitter. Criteria: Invitae Variant Classification Sherloc (09022015). Collection method: clinical testing. Allele origin: germline.
Comment: This sequence change replaces arginine, which is basic and polar, with tryptophan, which is neutral and slightly polar, at codon 43 of the ATP1A3 protein (p.Arg43Trp). This variant is present in population databases (rs781898188, gnomAD 0.006%). This variant has not been reported in the literature in individuals affected with ATP1A3-related conditions. ClinVar contains an entry for this variant (Variation ID: 2975936). Invitae Evidence Modeling of protein sequence and biophysical properties (such as structural, functional, and spatial information, amino acid conservation, physicochemical variation, residue mobility, and thermodynamic stability) indicates that this missense variant is expected to disrupt ATP1A3 protein function with a positive predictive value of 80%. In summary, the available evidence is currently insufficient to determine the role of this variant in disease. Therefore, it has been classified as a Variant of Uncertain Significance.